The following is an entry in ClinVar:

NM_014727.3(KMT2B):c.5988C>A (p.Ser1996Arg)

Gene: KMT2B (lysine methyltransferase 2B; plus strand). Cytogenetic location: 19q13.12.
Variant type: single nucleotide variant.
Coding change: c.5988C>A on transcript NM_014727.3 (MANE Select); coding-DNA position 5988, C replaced by A.
Protein change: p.Ser1996Arg; replaces serine 1996 with arginine.
Molecular consequence: missense variant.
Genome position (GRCh38, 1-based): chr19:35,732,537, C>A. VCF-style: chr19-35732537-C-A. GRCh37 (hg19) VCF-style: chr19-36223438-C-A.
Other names: short protein forms S1996R.
Identifiers: ClinVar variation 3393817 (VCV003393817.1).

ClinVar aggregate classification (germline): Uncertain significance (1 of 4 stars; one submission).

gnomAD v4.1: 1 of 1,613,930 alleles (0.000062%); highest among the groups gnomAD compares: Non-Finnish European, 0.000085%; no homozygotes.

Submission:

GeneDx
Classification: Uncertain significance. Last evaluated: 2024-07-02. Review status: criteria provided, single submitter. Criteria: GeneDx Variant Classification Process June 2021. Collection method: clinical testing. Allele origin: germline. Affected: yes.
Comment: Not observed at significant frequency in large population cohorts (gnomAD); In silico analysis indicates that this missense variant does not alter protein structure/function; Has not been previously published as pathogenic or benign to our knowledge